The following is an entry in ClinVar:

ClinVar aggregate classification (germline): Likely benign. Review status: criteria provided, single submitter (1 of 4 stars). 2 submissions from 2 submitters: Likely benign (1). 1 of the submissions does not count toward it. Last evaluated 2024-02-20.

Conditions:
RPGRIP1L-related disorder. Also called: RPGRIP1L-related disorders; RPGRIP1L-related condition. Identifiers: MedGen CN239416.
Meckel-Gruber syndrome. Also called: Dysencephalia splachnocystica; DYSENCEPHALIA SPLANCHNOCYSTICA; GRUBER SYNDROME. Identifiers: Orphanet 564, MedGen C0265215, MONDO:0018921.
Joubert syndrome. Also called: JOUBERT-BOLTSHAUSER SYNDROME; Familial aplasia of the vermis. Identifiers: Orphanet 475, MedGen C5979921, MONDO:0018772.

Allele frequency attached by ClinVar (database versions not stated): gnomAD 0.00001; gnomAD exomes 0.00001 and 0.00005; TOPMed 0.00002.
gnomAD v4.1: 87 of 1,613,990 alleles (0.0054%); highest among the groups gnomAD compares: Non-Finnish European, 0.0058%; no homozygotes.

Submissions (2):

Labcorp Genetics (formerly Invitae), Labcorp
Classification: Likely benign for Joubert syndrome; Meckel-Gruber syndrome. Last evaluated: 2024-02-20. Review status: criteria provided, single submitter. Criteria: Invitae Variant Classification Sherloc (09022015). Collection method: clinical testing. Allele origin: germline.

PreventionGenetics, part of Exact Sciences
Classification: Likely benign for RPGRIP1L-related condition. Last evaluated: 2023-06-22. Review status: no assertion criteria provided. Collection method: clinical testing. Allele origin: germline. Not counted in ClinVar's aggregate classification.
Comment: This variant is classified as likely benign based on ACMG/AMP sequence variant interpretation guidelines (Richards et al. 2015 PMID: 25741868, with internal and published modifications).

NM_015272.5(RPGRIP1L):c.2364C>T (p.Asn788=)

Gene: RPGRIP1L (RPGRIP1 like; minus strand). Cytogenetic location: 16q12.2.
Variant type: single nucleotide variant.
Coding change: c.2364C>T on transcript NM_015272.5 (MANE Select); coding-DNA position 2364, C replaced by T.
Protein change: p.Asn788=; no amino-acid change (asparagine 788 retained).
Molecular consequence: synonymous variant.
Genome position (GRCh38, 1-based): chr16:53,645,944, G>A on the plus strand (C>T on the coding strand, the complement: RPGRIP1L is on the minus strand). VCF-style: chr16-53645944-G-A. GRCh37 (hg19) VCF-style: chr16-53679856-G-A.
Other names: c.2364C>T, p.Asn788= (NM_001127897.4, NM_001308334.3, NM_001330538.2); c.2364C>T (NM_015272.4).
Identifiers: ClinVar variation 1126945 (VCV001126945.11), dbSNP rs746197640, ClinGen allele CA8057562.
Genomic context (GRCh38, chr16:53,645,944, plus strand): 5'-GTGGCTTGCTCGGGACTGCAGGTGGTTGCAACATCTTATTGTAATGTGAAGTTCATTTAA[G>A]TTGCCATCTGTGGAATCTGTAGAACTGAGTTGAGCAGTTTTGGGTGCTTGCTGACTTAAC-3'
Protein context (NP_056087.2, residues 778-798): QLSSTDSTDG[Asn788=]LNELHITIRC